The following is an entry in ClinVar:

NM_001904.4(CTNNB1):c.999C>G (p.Tyr333Ter)

Gene: CTNNB1 (catenin beta 1; plus strand). Cytogenetic location: 3p22.1.
Variant type: single nucleotide variant.
Coding change: c.999C>G on transcript NM_001904.4 (MANE Select); coding-DNA position 999, C replaced by G.
Protein change: p.Tyr333Ter; replaces tyrosine 333 with a stop codon.
Molecular consequence: nonsense.
Genome position (GRCh38, 1-based): chr3:41,227,270, C>G. VCF-style: chr3-41227270-C-G. GRCh37 (hg19) VCF-style: chr3-41268761-C-G.
Other names: c.999C>G, p.Tyr333Ter (NM_001098209.2, NM_001098210.2); c.978C>G, p.Tyr326Ter (NM_001330729.2); short protein forms Y326*, Y333*.
Identifiers: ClinVar variation 987152 (VCV000987152.16), dbSNP rs778624338, ClinGen allele CA352231538.
Genomic context (GRCh38, chr3:41,227,270, plus strand): 5'-CATCATACTGGCTAGTGGTGGACCCCAAGCTTTAGTAAATATAATGAGGACCTATACTTA[C>G]GAAAAACTACTGTGGACCACAAGCAGAGTGCTGAAGGTGCTATCTGTCTGCTCTAGTAAT-3'

ClinVar aggregate classification (germline): Pathogenic. Review status: criteria provided, multiple submitters, no conflicts (2 of 4 stars). 5 submissions from 5 submitters: Pathogenic (5). Last evaluated 2023-08-25.

Conditions:
Severe intellectual disability-progressive spastic diplegia syndrome (NEDSDV). Also called: CTNNB1 Neurodevelopmental Disorder; NEURODEVELOPMENTAL DISORDER WITH SPASTIC DIPLEGIA AND VISUAL DEFECTS. Identifiers: Orphanet 404473, MedGen C3554449, MONDO:0014035, OMIM 615075.
CTNNB1-related disorder. Also called: CTNNB1-related condition.

Submissions (5):

Institute of Human Genetics Munich, TUM University Hospital
Classification: Pathogenic for Severe intellectual disability-progressive spastic diplegia syndrome. Last evaluated: 2023-08-25. Review status: criteria provided, single submitter. Criteria: Classification criteria August 2017. Collection method: clinical testing. Allele origin: de novo. Inheritance: Autosomal dominant inheritance. Affected: yes. Observed: 1 variant allele.

Labcorp Genetics (formerly Invitae), Labcorp
Classification: Pathogenic. Last evaluated: 2023-07-17. Review status: criteria provided, single submitter. Criteria: Invitae Variant Classification Sherloc (09022015). Collection method: clinical testing. Allele origin: germline.
Comment: For these reasons, this variant has been classified as Pathogenic. ClinVar contains an entry for this variant (Variation ID: 987152). This premature translational stop signal has been observed in individual(s) with developmental disorders (PMID: 27915094). This variant is not present in population databases (gnomAD no frequency). This sequence change creates a premature translational stop signal (p.Tyr333*) in the CTNNB1 gene. It is expected to result in an absent or disrupted protein product. Loss-of-function variants in CTNNB1 are known to be pathogenic (PMID: 23033978, 24614104, 25326669, 26350204, 28575650).

GeneDx
Classification: Pathogenic. Last evaluated: 2022-06-09. Review status: criteria provided, single submitter. Criteria: GeneDx Variant Classification Process June 2021. Collection method: clinical testing. Allele origin: germline. Affected: yes.
Comment: Nonsense variant predicted to result in protein truncation or nonsense mediated decay in a gene for which loss-of-function is a known mechanism of disease; Not observed at significant frequency in large population cohorts (gnomAD); This variant is associated with the following publications: (PMID: 28575650, 27915094, 30640974, 31785789)

Institute of Medical Genetics and Applied Genomics, University Hospital Tübingen
Classification: Pathogenic. Last evaluated: 2020-10-23. Review status: criteria provided, single submitter. Criteria: ACMG Guidelines, 2015. Collection method: clinical testing. Allele origin: germline. Inheritance: Autosomal dominant inheritance. Affected: yes.

Blueprint Genetics
Classification: Pathogenic for CTNNB1-related disorders. Last evaluated: 2019-03-05. Review status: criteria provided, single submitter. Criteria: ACMG Guidelines, 2015. Collection method: clinical testing. Allele origin: germline. Affected: yes. Observed: 1 variant allele.

Literature cited by the submitters: PubMed 27915094 (cited by Labcorp Genetics (formerly Invitae), Labcorp); PubMed 23033978 (cited by Labcorp Genetics (formerly Invitae), Labcorp); PubMed 24614104 (cited by Labcorp Genetics (formerly Invitae), Labcorp); PubMed 25326669 (cited by Labcorp Genetics (formerly Invitae), Labcorp); PubMed 26350204 (cited by Labcorp Genetics (formerly Invitae), Labcorp); PubMed 28575650 (cited by Labcorp Genetics (formerly Invitae), Labcorp).